The following is an entry in ClinVar:

NM_015346.4(ZFYVE26):c.3384G>C (p.Gln1128His)

Gene: ZFYVE26 (zinc finger FYVE-type containing 26; minus strand). Cytogenetic location: 14q24.1.
Variant type: single nucleotide variant.
Coding change: c.3384G>C on transcript NM_015346.4 (MANE Select); coding-DNA position 3384, G replaced by C.
Protein change: p.Gln1128His; replaces glutamine 1128 with histidine.
Molecular consequence: missense variant.
Genome position (GRCh38, 1-based): chr14:67,785,198, C>G on the plus strand (G>C on the coding strand, the complement: ZFYVE26 is on the minus strand). VCF-style: chr14-67785198-C-G. GRCh37 (hg19) VCF-style: chr14-68251915-C-G.
Other names: c.3384G>C (NM_015346.3); short protein forms Q1128H.
Identifiers: ClinVar variation 1520691 (VCV001520691.6), dbSNP rs1413616312, ClinGen allele CA390172370.

ClinVar aggregate classification (germline): Uncertain significance. Review status: criteria provided, multiple submitters, no conflicts (2 of 4 stars). 2 submissions from 2 submitters: Uncertain significance (2). Last evaluated 2023-10-20.

Conditions:
Spastic paraplegia. Identifiers: MedGen C0037772, HP:0001258.

Allele frequency attached by ClinVar (database versions not stated): gnomAD 0.00001; TOPMed below 0.00001.
gnomAD v4.1: 5 of 1,614,012 alleles (0.00031%); highest among the groups gnomAD compares: Middle Eastern, 0.033%; no homozygotes.

Submissions (2):

GeneDx
Classification: Uncertain significance. Last evaluated: 2023-10-20. Review status: criteria provided, single submitter. Criteria: GeneDx Variant Classification Process June 2021. Collection method: clinical testing. Allele origin: germline. Affected: yes.
Comment: Not observed at significant frequency in large population cohorts (gnomAD); In silico analysis supports that this missense variant does not alter protein structure/function; Has not been previously published as pathogenic or benign to our knowledge

Labcorp Genetics (formerly Invitae), Labcorp
Classification: Uncertain significance for Spastic paraplegia. Last evaluated: 2022-02-05. Review status: criteria provided, single submitter. Criteria: Invitae Variant Classification Sherloc (09022015). Collection method: clinical testing. Allele origin: germline.
Comment: This sequence change replaces glutamine, which is neutral and polar, with histidine, which is basic and polar, at codon 1128 of the ZFYVE26 protein (p.Gln1128His). This variant is not present in population databases (gnomAD no frequency). This variant has not been reported in the literature in individuals affected with ZFYVE26-related conditions. Algorithms developed to predict the effect of missense changes on protein structure and function output the following: SIFT: "Tolerated"; PolyPhen-2: "Benign"; Align-GVGD: "Class C0". The histidine amino acid residue is found in multiple mammalian species, which suggests that this missense change does not adversely affect protein function. In summary, the available evidence is currently insufficient to determine the role of this variant in disease. Therefore, it has been classified as a Variant of Uncertain Significance.